The following is an entry in ClinVar:

ClinVar aggregate classification (germline): Uncertain significance. Review status: criteria provided, multiple submitters, no conflicts (2 of 4 stars). 2 submissions from 2 submitters: Uncertain significance (2). Last evaluated 2025-12-30.

Conditions:
Cardiovascular phenotype. Identifiers: MedGen CN230736.

Allele frequency attached by ClinVar (database versions not stated): gnomAD exomes 0.00001 and 0.00003; gnomAD 0.00001; TOPMed 0.00001.
gnomAD v4.1: 8 of 1,321,250 alleles (0.00061%); highest among the groups gnomAD compares: Non-Finnish European, 0.00078%; 1 homozygote.

Submissions (2):

Ambry Genetics
Classification: Uncertain significance for Cardiovascular phenotype. Last evaluated: 2025-12-30. Review status: criteria provided, single submitter. Criteria: Ambry Variant Classification Scheme 2023. Collection method: clinical testing. Allele origin: germline.
Comment: The p.G18R variant (also known as c.52G>A), located in coding exon 1 of the SNTA1 gene, results from a G to A substitution at nucleotide position 52. The glycine at codon 18 is replaced by arginine, an amino acid with dissimilar properties. This amino acid position is conserved. In addition, this alteration is predicted to be tolerated by in silico analysis. Based on the available evidence, the clinical significance of this variant remains unclear.

GeneDx
Classification: Uncertain significance. Last evaluated: 2017-05-25. Review status: criteria provided, single submitter. Criteria: GeneDx Variant Classification (06012015). Collection method: clinical testing. Allele origin: germline. Affected: yes.
Comment: A variant of uncertain significance has been identified in the SNTA1 gene. The G18R variant has not been published as pathogenic or been reported as benign to our knowledge. The G18R variant is a non-conservative amino acid substitution, which is likely to impact secondary protein structure as these residues differ in polarity, charge, size and/or other properties. However, this substitution occurs at a position that is not conserved across species and arginine (R) is the wild-type residue at this position in multiple non-mammalian species. In silico analysis predicts this variant likely does not alter the protein structure/function. Finally, data from control individuals was not sufficient to assess whether G18R may be a common benign variant in the general population.

NM_003098.3(SNTA1):c.52G>A (p.Gly18Arg)

Genes: SNTA1 (syntrophin alpha 1; minus strand), LOC130065680 (ATAC-STARR-seq lymphoblastoid silent region 12812; plus strand). Cytogenetic location: 20q11.21.
Variant type: single nucleotide variant.
Coding change: c.52G>A on transcript NM_003098.3 (MANE Select); coding-DNA position 52, G replaced by A.
Protein change: p.Gly18Arg; replaces glycine 18 with arginine.
Molecular consequence: missense variant.
Genome position (GRCh38, 1-based): chr20:33,443,569, C>T on the plus strand (G>A on the coding strand, the complement: SNTA1 is on the minus strand). VCF-style: chr20-33443569-C-T. GRCh37 (hg19) VCF-style: chr20-32031375-C-T.
Other names: short protein forms G18R.
Identifiers: ClinVar variation 430498 (VCV000430498.3), dbSNP rs1131691995, ClinGen allele CA408634708.